The following is an entry in ClinVar:

NM_000292.3(PHKA2):c.3282+23_3282+26dup

Gene: PHKA2 (phosphorylase kinase regulatory subunit alpha 2; minus strand). Cytogenetic location: Xp22.13.
Variant type: Duplication.
Coding change: c.3282+23_3282+26dup on transcript NM_000292.3 (MANE Select); bases 23 to 26 of the intron after coding-DNA position 3282, 4 bases duplicated (GGGG; older notation c.3282+23_3282+26dupGGGG).
Molecular consequence: intron variant.
Genome position (GRCh38, 1-based): chrX:18,897,137-18,897,140, CCCC duplicated on the plus strand (GGGG on the coding strand, the reverse complement: PHKA2 is on the minus strand). VCF-style (leftmost placement, unchanged base first): chrX-18897136-T-TCCCC. GRCh37 (hg19) VCF-style: chrX-18915254-T-TCCCC.
Other names: p.?; c.3099+23_3099+26dup (NM_001440804.1); c.3129+23_3129+26dup (NM_001440803.1); c.3183+23_3183+26dup (NM_001440802.1); c.3198+23_3198+26dup (NM_001440801.1); c.3228+23_3228+26dup (NM_001440800.1); c.3306+23_3306+26dup (NM_001440805.1).
Identifiers: ClinVar variation 4684505 (VCV004684505.1).

ClinVar aggregate classification (germline): Likely benign (1 of 4 stars; one submission).

Submission:

Mayo Clinic Laboratories, Mayo Clinic
Classification: Likely benign. Last evaluated: 2025-10-14. Review status: criteria provided, single submitter. Criteria: ACMG Guidelines, 2015. Collection method: clinical testing. Allele origin: germline. Observed: 1 variant allele.
Comment: BP4, BP7, PM2_supporting